The following is an entry in ClinVar:

NM_001025356.3(ANO6):c.2217+1G>A

Gene: ANO6 (anoctamin 6; plus strand). Cytogenetic location: 12q12.
Variant type: single nucleotide variant.
Coding change: c.2217+1G>A on transcript NM_001025356.3 (MANE Select); the canonical splice donor site of the intron after coding-DNA position 2217, G replaced by A.
Molecular consequence: splice donor variant.
Genome position (GRCh38, 1-based): chr12:45,416,905, G>A. VCF-style: chr12-45416905-G-A. GRCh37 (hg19) VCF-style: chr12-45810688-G-A.
Other names: c.2217+1G>A (NM_001142679.2); c.2280+1G>A (NM_001204803.2); c.2184+1G>A (NM_001410973.1); c.2163+1G>A (NM_001142678.2).
Identifiers: ClinVar variation 2810077 (VCV002810077.3), dbSNP rs2547518643, ClinGen allele CA384468138.

ClinVar aggregate classification (germline): Likely pathogenic (1 of 4 stars; one submission).

Submission:

Labcorp Genetics (formerly Invitae), Labcorp
Classification: Likely pathogenic. Last evaluated: 2022-10-27. Review status: criteria provided, single submitter. Criteria: Invitae Variant Classification Sherloc (09022015). Collection method: clinical testing. Allele origin: germline.
Comment: In summary, the currently available evidence indicates that the variant is pathogenic, but additional data are needed to prove that conclusively. Therefore, this variant has been classified as Likely Pathogenic. Algorithms developed to predict the effect of sequence changes on RNA splicing suggest that this variant may disrupt the consensus splice site. This variant has not been reported in the literature in individuals affected with ANO6-related conditions. This variant is not present in population databases (gnomAD no frequency). This sequence change affects a donor splice site in intron 17 of the ANO6 gene. It is expected to disrupt RNA splicing. Variants that disrupt the donor or acceptor splice site typically lead to a loss of protein function (PMID: 16199547), and loss-of-function variants in ANO6 are known to be pathogenic (PMID: 21107324, 21511967, 27879994).

Literature cited by the submitters: PubMed 16199547; PubMed 21107324; PubMed 21511967; PubMed 27879994.